The following is an entry in ClinVar:

ClinVar aggregate classification (germline): Uncertain significance (1 of 4 stars; one submission).

Submission:

Labcorp Genetics (formerly Invitae), Labcorp
Classification: Uncertain significance. Last evaluated: 2022-03-04. Review status: criteria provided, single submitter. Criteria: Invitae Variant Classification Sherloc (09022015). Collection method: clinical testing. Allele origin: germline.
Comment: In summary, the available evidence is currently insufficient to determine the role of this variant in disease. Therefore, it has been classified as a Variant of Uncertain Significance. Variants that disrupt the consensus splice site are a relatively common cause of aberrant splicing (PMID: 17576681, 9536098). Algorithms developed to predict the effect of sequence changes on RNA splicing suggest that this variant is not likely to affect RNA splicing. This variant has not been reported in the literature in individuals affected with MSH3-related conditions. This variant is not present in population databases (gnomAD no frequency). This sequence change falls in intron 15 of the MSH3 gene. It does not directly change the encoded amino acid sequence of the MSH3 protein. It affects a nucleotide within the consensus splice site.

Literature cited by the submitters: PubMed 17576681; PubMed 9536098.

NM_002439.5(MSH3):c.2253+5T>C

Gene: MSH3 (mutS homolog 3; plus strand). Cytogenetic location: 5q14.1.
Variant type: single nucleotide variant.
Coding change: c.2253+5T>C on transcript NM_002439.5 (MANE Select); 5 bases into the intron after coding-DNA position 2253, T replaced by C.
Molecular consequence: intron variant.
Genome position (GRCh38, 1-based): chr5:80,769,008, T>C. VCF-style: chr5-80769008-T-C. GRCh37 (hg19) VCF-style: chr5-80064827-T-C.
Identifiers: ClinVar variation 2105119 (VCV002105119.4), dbSNP rs2546774359, ClinGen allele CA2580073548.